The following is an entry in ClinVar:

ClinVar aggregate classification (germline): Uncertain significance (1 of 4 stars; one submission).

Conditions:
Early-infantile DEE. Also called: Ohtahara syndrome; Early infantile epileptic encephalopathy with suppression bursts; Early infantile epileptic encephalopathy. Identifiers: Orphanet 1934, MedGen C0393706, MONDO:0800491.

Submission:

Labcorp Genetics (formerly Invitae), Labcorp
Classification: Uncertain significance for Early-infantile DEE. Last evaluated: 2024-10-29. Review status: criteria provided, single submitter. Criteria: Invitae Variant Classification Sherloc (09022015). Collection method: clinical testing. Allele origin: germline.
Comment: This sequence change falls in intron 5 of the HCN1 gene. It does not directly change the encoded amino acid sequence of the HCN1 protein. This variant is not present in population databases (gnomAD no frequency). This variant has not been reported in the literature in individuals affected with HCN1-related conditions. Algorithms developed to predict the effect of sequence changes on RNA splicing suggest that this variant may disrupt the consensus splice site. In summary, the available evidence is currently insufficient to determine the role of this variant in disease. Therefore, it has been classified as a Variant of Uncertain Significance.

NM_021072.4(HCN1):c.1378-7T>G

Gene: HCN1 (hyperpolarization activated cyclic nucleotide gated potassium channel 1; minus strand). Cytogenetic location: 5p12.
Variant type: single nucleotide variant.
Coding change: c.1378-7T>G on transcript NM_021072.4 (MANE Select); 7 bases into the intron before coding-DNA position 1378, T replaced by G.
Molecular consequence: intron variant.
Genome position (GRCh38, 1-based): chr5:45,303,846, A>C on the plus strand (T>G on the coding strand, the complement: HCN1 is on the minus strand). VCF-style: chr5-45303846-A-C. GRCh37 (hg19) VCF-style: chr5-45303948-A-C.
Identifiers: ClinVar variation 3723692 (VCV003723692.2).